The following is an entry in ClinVar:

ClinVar aggregate classification (germline): Uncertain significance (1 of 4 stars; one submission).

Conditions:
Immunodeficiency, common variable, 7. Identifiers: Orphanet 1572, Orphanet 696894, MedGen C3542922, MONDO:0013862, OMIM 614699.

Allele frequency attached by ClinVar (database versions not stated): gnomAD 0.00001; gnomAD exomes 0.00001; TOPMed below 0.00001.

Submission:

Labcorp Genetics (formerly Invitae), Labcorp
Classification: Uncertain significance for Immunodeficiency, common variable, 7. Last evaluated: 2021-09-24. Review status: criteria provided, single submitter. Criteria: Invitae Variant Classification Sherloc (09022015). Collection method: clinical testing. Allele origin: germline.
Comment: This sequence change replaces serine with threonine at codon 1029 of the CR2 protein (p.Ser1029Thr). The serine residue is weakly conserved and there is a small physicochemical difference between serine and threonine. This variant is not present in population databases (ExAC no frequency). This variant has not been reported in the literature in individuals with CR2-related conditions. Algorithms developed to predict the effect of missense changes on protein structure and function are either unavailable or do not agree on the potential impact of this missense change (SIFT: "Tolerated"; PolyPhen-2: "Possibly Damaging"; Align-GVGD: "Class C0"). In summary, the available evidence is currently insufficient to determine the role of this variant in disease. Therefore, it has been classified as a Variant of Uncertain Significance.

NM_001006658.3(CR2):c.3085T>A (p.Ser1029Thr)

Gene: CR2 (complement C3d receptor 2; plus strand). Cytogenetic location: 1q32.2.
Variant type: single nucleotide variant.
Coding change: c.3085T>A on transcript NM_001006658.3 (MANE Select); coding-DNA position 3085, T replaced by A.
Protein change: p.Ser1029Thr; replaces serine 1029 with threonine.
Molecular consequence: missense variant.
Genome position (GRCh38, 1-based): chr1:207,478,067, T>A. VCF-style: chr1-207478067-T-A. GRCh37 (hg19) VCF-style: chr1-207651412-T-A.
Other names: c.2908T>A, p.Ser970Thr (NM_001877.5); short protein forms S970T, S1029T.
Identifiers: ClinVar variation 1485040 (VCV001485040.5), dbSNP rs1177550039, ClinGen allele CA344541858.
Genomic context (GRCh38, chr1:207,478,067, plus strand): 5'-AGTCCCCAGAGCCAGTGCCAATCGGATCACCAATGGAACCCTCCCCTGGCGGTTTGCAGA[T>A]CCCGTAAGTACCAAGGGCTTCACCGCCGCTTGTAACTGGCTAACGGAGAGAAGAGAGTGA-3'
Protein context (NP_001006659.1, residues 1019-1039): QWNPPLAVCR[Ser1029Thr]RSLAPVLCGI